The following is an entry in ClinVar:

ClinVar aggregate classification (germline): Likely benign. Review status: criteria provided, multiple submitters, no conflicts (2 of 4 stars). 3 submissions from 3 submitters: Likely benign (3). Last evaluated 2023-10-23.

Conditions:
Arrhythmogenic cardiomyopathy with wooly hair and keratoderma. Also called: PALMOPLANTAR KERATODERMA WITH LEFT VENTRICULAR CARDIOMYOPATHY AND WOOLLY HAIR; Carvajal syndrome; Dilated cardiomyopathy with woolly hair and keratoderma; Arrhythmogenic cardiomyopathy with woolly hair and keratoderma. Identifiers: Orphanet 65282, MedGen C1854063, MONDO:0011581, OMIM 605676.
Arrhythmogenic right ventricular dysplasia 8 (ARVD8). Also called: ARRHYTHMOGENIC RIGHT VENTRICULAR DYSPLASIA, FAMILIAL, 8; ARRHYTHMOGENIC RIGHT VENTRICULAR CARDIOMYOPATHY 8; Arrhythmogenic Right Ventricular Dysplasia/Cardiomyopathy 8. Identifiers: MedGen C1843896, MONDO:0011831, OMIM 607450.
Cardiovascular phenotype. Identifiers: MedGen CN230736.

gnomAD v4.1: 1 of 1,614,184 alleles (0.000062%); highest among the groups gnomAD compares: Admixed American, 0.0017%; no homozygotes.

Submissions (3):

Labcorp Genetics (formerly Invitae), Labcorp
Classification: Likely benign for Arrhythmogenic cardiomyopathy with wooly hair and keratoderma; Arrhythmogenic right ventricular dysplasia 8. Last evaluated: 2023-10-23. Review status: criteria provided, single submitter. Criteria: Invitae Variant Classification Sherloc (09022015). Collection method: clinical testing. Allele origin: germline.

All of Us Research Program, National Institutes of Health
Classification: Likely benign for Arrhythmogenic cardiomyopathy with wooly hair and keratoderma. Last evaluated: 2023-07-10. Review status: criteria provided, single submitter. Criteria: ACMG Guidelines, 2015. Collection method: clinical testing. Allele origin: germline. Inheritance: Autosomal dominant inheritance. Observed: 1 variant allele, 1 heterozygote.
Comment: This study involves interpretation of variants in research participants for the purpose of population health screening. Participant phenotype was not available at the time of variant classification. Additional details can be found in publication PMID: 35346344, PMCID: PMC8962531

Ambry Genetics
Classification: Likely benign for Cardiovascular phenotype. Last evaluated: 2023-02-26. Review status: criteria provided, single submitter. Criteria: Ambry Variant Classification Scheme 2023. Collection method: clinical testing. Allele origin: germline.

NM_004415.4(DSP):c.3231G>C (p.Ala1077=)

Gene: DSP (desmoplakin; plus strand). Cytogenetic location: 6p24.3.
Variant type: single nucleotide variant.
Coding change: c.3231G>C on transcript NM_004415.4 (MANE Select); coding-DNA position 3231, G replaced by C.
Protein change: p.Ala1077=; no amino-acid change (alanine 1077 retained).
Molecular consequence: synonymous variant.
Genome position (GRCh38, 1-based): chr6:7,579,421, G>C. VCF-style: chr6-7579421-G-C. GRCh37 (hg19) VCF-style: chr6-7579654-G-C.
Other names: c.3231G>C, p.Ala1077= (NM_001008844.3, NM_001319034.2).
Identifiers: ClinVar variation 2453268 (VCV002453268.6), dbSNP rs368214030, ClinGen allele CA448714246.